The following is an entry in ClinVar:

NM_144499.3(GNAT1):c.377T>A (p.Leu126Gln)

Gene: GNAT1 (G protein subunit alpha transducin 1; plus strand). Cytogenetic location: 3p21.31.
Variant type: single nucleotide variant.
Coding change: c.377T>A on transcript NM_144499.3 (MANE Select); coding-DNA position 377, T replaced by A.
Protein change: p.Leu126Gln; replaces leucine 126 with glutamine.
Molecular consequence: missense variant.
Genome position (GRCh38, 1-based): chr3:50,193,591, T>A. VCF-style: chr3-50193591-T-A. GRCh37 (hg19) VCF-style: chr3-50231024-T-A.
Other names: c.377T>A, p.Leu126Gln (NM_000172.4); short protein forms L126Q.
Identifiers: ClinVar variation 842760 (VCV000842760.8), dbSNP rs763156863, ClinGen allele CA2412547.

ClinVar aggregate classification (germline): Uncertain significance. Review status: criteria provided, multiple submitters, no conflicts (2 of 4 stars). 3 submissions from 3 submitters: Uncertain significance (3). Last evaluated 2026-03-23.

Conditions:
Inborn genetic diseases. Identifiers: MedGen C0950123, MeSH D030342.

Allele frequency attached by ClinVar (database versions not stated): gnomAD 0.00003; gnomAD exomes 0.00005 and 0.00012; ExAC 0.00009; TOPMed 0.00009.

Submissions (3):

Ambry Genetics
Classification: Uncertain significance for Inborn genetic diseases. Last evaluated: 2026-03-23. Review status: criteria provided, single submitter. Criteria: Ambry Variant Classification Scheme 2023. Collection method: clinical testing. Allele origin: germline.

Labcorp Genetics (formerly Invitae), Labcorp
Classification: Uncertain significance. Last evaluated: 2023-07-03. Review status: criteria provided, single submitter. Criteria: Invitae Variant Classification Sherloc (09022015). Collection method: clinical testing. Allele origin: germline.
Comment: This variant has not been reported in the literature in individuals affected with GNAT1-related conditions. This sequence change replaces leucine, which is neutral and non-polar, with glutamine, which is neutral and polar, at codon 126 of the GNAT1 protein (p.Leu126Gln). This variant is present in population databases (rs763156863, gnomAD 0.09%). ClinVar contains an entry for this variant (Variation ID: 842760). Advanced modeling of protein sequence and biophysical properties (such as structural, functional, and spatial information, amino acid conservation, physicochemical variation, residue mobility, and thermodynamic stability) performed at Invitae indicates that this missense variant is expected to disrupt GNAT1 protein function. In summary, the available evidence is currently insufficient to determine the role of this variant in disease. Therefore, it has been classified as a Variant of Uncertain Significance.

Blueprint Genetics
Classification: Uncertain significance. Last evaluated: 2022-08-02. Review status: criteria provided, single submitter. Criteria: ACMG Guidelines, 2015. Collection method: clinical testing. Allele origin: germline.